The following is an entry in ClinVar:

ClinVar aggregate classification (germline): Uncertain significance (1 of 4 stars; one submission).

Conditions:
Epidermolysis bullosa simplex 3, localized or generalized intermediate, with BP230 deficiency (EBS3). Also called: Epidermolysis bullosa simplex due to BP230 deficiency; Epidermolysis bullosa simplex, autosomal recessive 2. Identifiers: Orphanet 412181, MedGen C3809470, MONDO:0014180, OMIM 615425.
Hereditary sensory and autonomic neuropathy type 6. Also called: HSAN VI; Neuropathy, hereditary sensory and autonomic, type VI. Identifiers: Orphanet 314381, MedGen C3539003, MONDO:0013839, OMIM 614653.

Allele frequency attached by ClinVar (database versions not stated): gnomAD exomes below 0.00001; TOPMed below 0.00001; ExAC 0.00001; gnomAD 0.00001; ESP Exome Variant Server 0.00008.
gnomAD v4.1: 12 of 1,612,362 alleles (0.00074%); highest among the groups gnomAD compares: East Asian, 0.0022%; no homozygotes.

Submission:

Labcorp Genetics (formerly Invitae), Labcorp
Classification: Uncertain significance for Epidermolysis bullosa simplex 3, localized or generalized intermediate, with BP230 deficiency; Hereditary sensory and autonomic neuropathy type 6. Last evaluated: 2021-09-29. Review status: criteria provided, single submitter. Criteria: Invitae Variant Classification Sherloc (09022015). Collection method: clinical testing. Allele origin: germline.
Comment: This sequence change replaces alanine with threonine at codon 3486 of the DST protein (p.Ala3486Thr). The DST gene has multiple clinically relevant transcripts. This variant occurs in alternate transcript NM_015548.4, and corresponds to NM_001723.5:c.*98287G>A in the primary transcript. This variant is present in population databases (rs375644963, ExAC 0.001%). This variant has not been reported in the literature in individuals affected with DST-related conditions. Experimental studies and prediction algorithms are not available or were not evaluated, and the functional significance of this variant is currently unknown. In summary, the available evidence is currently insufficient to determine the role of this variant in disease. Therefore, it has been classified as a Variant of Uncertain Significance.

NM_001374736.1(DST):c.18325G>A (p.Ala6109Thr)

Gene: DST (dystonin; minus strand). Cytogenetic location: 6p12.1.
Variant type: single nucleotide variant.
Coding change: c.18325G>A on transcript NM_001374736.1 (MANE Select); coding-DNA position 18325, G replaced by A.
Protein change: p.Ala6109Thr; replaces alanine 6109 with threonine.
Molecular consequence: missense variant.
Genome position (GRCh38, 1-based): chr6:56,517,230, C>T on the plus strand (G>A on the coding strand, the complement: DST is on the minus strand). VCF-style: chr6-56517230-C-T. GRCh37 (hg19) VCF-style: chr6-56382028-C-T.
Other names: c.11968G>A, p.Ala3990Thr (NM_001144769.5); c.11554G>A, p.Ala3852Thr (NM_001144770.2); c.18325G>A, p.Ala6109Thr (NM_001374722.1); c.17365G>A, p.Ala5789Thr (NM_001374729.1); c.11107G>A, p.Ala3703Thr (NM_001374730.1); c.18352G>A, p.Ala6118Thr (NM_001374734.1); c.11434G>A, p.Ala3812Thr (NM_001386100.1, NM_183380.4); c.10456G>A, p.Ala3486Thr (NM_015548.5); short protein forms A3812T, A6118T, A3486T, A3703T, A3852T, A3990T, A5789T, A6109T.
Identifiers: ClinVar variation 1441865 (VCV001441865.6), dbSNP rs375644963, ClinGen allele CA3867234.